The following is an entry in ClinVar:

NM_015910.7(WDPCP):c.431C>T (p.Pro144Leu)

Gene: WDPCP (WD repeat containing planar cell polarity effector; minus strand). Cytogenetic location: 2p15.
Variant type: single nucleotide variant.
Coding change: c.431C>T on transcript NM_015910.7 (MANE Select); coding-DNA position 431, C replaced by T.
Protein change: p.Pro144Leu; replaces proline 144 with leucine.
Molecular consequence: missense variant. On other transcripts: non-coding transcript variant (2).
Genome position (GRCh38, 1-based): chr2:63,439,825, G>A on the plus strand (C>T on the coding strand, the complement: WDPCP is on the minus strand). VCF-style: chr2-63439825-G-A. GRCh37 (hg19) VCF-style: chr2-63666959-G-A.
Other names: c.359C>T, p.Pro120Leu (NM_001354044.2); c.431C>T, p.Pro144Leu (NM_001354045.2); short protein forms P120L, P144L.
Identifiers: ClinVar variation 3357446 (VCV003357446.3).

ClinVar aggregate classification (germline): Uncertain significance. Review status: criteria provided, multiple submitters, no conflicts (2 of 4 stars). 2 submissions from 2 submitters: Uncertain significance (2). Last evaluated 2025-08-17.

Conditions:
WDPCP-related disorder. Also called: WDPCP-related condition.
Inborn genetic diseases. Identifiers: MedGen C0950123, MeSH D030342.

gnomAD v4.1: 8 of 1,613,092 alleles (0.0005%); highest among the groups gnomAD compares: Admixed American, 0.0033%; no homozygotes.

Submissions (2):

PreventionGenetics, part of Exact Sciences
Classification: Uncertain significance for WDPCP-related condition. Last evaluated: 2025-08-17. Review status: criteria provided, single submitter. Criteria: ACMG Guidelines, 2015. Collection method: clinical testing. Allele origin: germline.
Comment: The WDPCP c.431C>T variant is predicted to result in the amino acid substitution p.Pro144Leu. To our knowledge, this variant has not been reported in the literature. This variant is reported in 0.0065% of alleles in individuals of African descent in gnomAD. At this time, the clinical significance of this variant is uncertain due to the absence of conclusive functional and genetic evidence.

Ambry Genetics
Classification: Uncertain significance for Inborn genetic diseases. Last evaluated: 2024-08-02. Review status: criteria provided, single submitter. Criteria: Ambry Variant Classification Scheme 2023. Collection method: clinical testing. Allele origin: germline.